The following is an entry in ClinVar:

ClinVar aggregate classification (germline): Benign/Likely benign. Review status: criteria provided, multiple submitters, no conflicts (2 of 4 stars). 2 submissions from 2 submitters: Benign (1); Likely benign (1). Last evaluated 2026-09-01.

Allele frequency attached by ClinVar (database versions not stated): TOPMed 0.00005; ESP Exome Variant Server 0.00008; gnomAD 0.00019; gnomAD exomes 0.00051; ExAC 0.00114; 1000 Genomes Project 30x 0.00156; 1000 Genomes Project 0.00160.
gnomAD v4.1: 778 of 1,613,898 alleles (0.048%); highest among the groups gnomAD compares: South Asian, 0.75%; 13 homozygotes.

Submissions (2):

CeGaT Center for Human Genetics Tuebingen
Classification: Likely benign. Last evaluated: 2026-09-01. Review status: criteria provided, single submitter. Criteria: CeGaT Center For Human Genetics Tuebingen Variant Classification Criteria Version 2. Collection method: clinical testing. Allele origin: germline. Affected: yes. Observed: 5 variant alleles.
Comment: HERC1: BP4, BP7, BS2

Labcorp Genetics (formerly Invitae), Labcorp
Classification: Benign. Last evaluated: 2025-10-01. Review status: criteria provided, single submitter. Criteria: Invitae Variant Classification Sherloc (09022015). Collection method: clinical testing. Allele origin: germline.

NM_003922.4(HERC1):c.4692T>C (p.His1564=)

Gene: HERC1 (HECT and RLD domain containing E3 ubiquitin protein ligase family member 1; minus strand). Cytogenetic location: 15q22.31.
Variant type: single nucleotide variant.
Coding change: c.4692T>C on transcript NM_003922.4 (MANE Select); coding-DNA position 4692, T replaced by C.
Protein change: p.His1564=; no amino-acid change (histidine 1564 retained).
Molecular consequence: synonymous variant.
Genome position (GRCh38, 1-based): chr15:63,698,941, A>G on the plus strand (T>C on the coding strand, the complement: HERC1 is on the minus strand). VCF-style: chr15-63698941-A-G. GRCh37 (hg19) VCF-style: chr15-63991140-A-G.
Identifiers: ClinVar variation 2200620 (VCV002200620.26), dbSNP rs373783943, ClinGen allele CA7605717.